The following is an entry in ClinVar:

NM_007294.4(BRCA1):c.2569_2570insA (p.Leu857fs)

Gene: BRCA1 (BRCA1 DNA repair associated; minus strand). Cytogenetic location: 17q21.31.
Variant type: Insertion.
Coding change: c.2569_2570insA on transcript NM_007294.4 (MANE Select); coding-DNA positions 2569 to 2570, A inserted.
Protein change: p.Leu857fs; shifts the reading frame from leucine 857.
Molecular consequence: frameshift variant. On other transcripts: intron variant (137).
Genome position: GRCh38 VCF-style: chr17-43092961-A-AT. GRCh37 (hg19) VCF-style: chr17-41244978-A-AT.
Other names: c.2566_2567insA, p.Leu856fs (NM_001407628.1, NM_001407629.1, NM_001407627.1 and 22 more transcripts); c.2569_2570insA, p.Leu857fs (NM_001407626.1, NM_001407639.1, NM_001407640.1 and 30 more transcripts); c.2560_2561insA, p.Leu854fs (NM_001407646.1, NM_001407647.1); c.2446_2447insA, p.Leu816fs (NM_001407648.1, NM_001407664.1, NM_001407665.1 and 19 more transcripts); c.2443_2444insA, p.Leu815fs (NM_001407649.1, NM_001407670.1, NM_001407671.1 and 11 more transcripts); c.2491_2492insA, p.Leu831fs (NM_001407653.1, NM_001407654.1, NM_001407655.1 and 4 more transcripts); c.2488_2489insA, p.Leu830fs (NM_001407659.1, NM_001407660.1, NM_001407661.1 and 1 more transcripts); c.2428_2429insA, p.Leu810fs (NM_001407692.1, NM_001407694.1, NM_001407695.1 and 29 more transcripts); and 41 more; short protein forms L810fs, L857fs, L689fs, L730fs, L745fs, L561fs, L729fs, L746fs.
Identifiers: ClinVar variation 2122351 (VCV002122351.4), dbSNP rs2552186870, ClinGen allele CA2580094016.

ClinVar aggregate classification (germline): Pathogenic (1 of 4 stars; one submission).

Conditions:
Hereditary breast ovarian cancer syndrome. Also called: Hereditary breast and ovarian cancer syndrome (HBOC); Hereditary breast and/or ovarian cancer syndrome; Hereditary breast and ovarian cancer; BRCA1- and BRCA2-Associated Hereditary Breast and Ovarian Cancer; Breast and ovarian cancer; Hereditary breast and ovarian cancer syndrome. Identifiers: Orphanet 145, MedGen C0677776, MeSH D061325, MONDO:0003582. Disease mechanism: loss of function.

Submission:

Labcorp Genetics (formerly Invitae), Labcorp
Classification: Pathogenic for Hereditary breast ovarian cancer syndrome. Last evaluated: 2022-04-07. Review status: criteria provided, single submitter. Criteria: Invitae Variant Classification Sherloc (09022015). Collection method: clinical testing. Allele origin: germline.
Comment: For these reasons, this variant has been classified as Pathogenic. This variant has not been reported in the literature in individuals affected with BRCA1-related conditions. This variant is not present in population databases (gnomAD no frequency). This sequence change creates a premature translational stop signal (p.Leu857Tyrfs*46) in the BRCA1 gene. It is expected to result in an absent or disrupted protein product. Loss-of-function variants in BRCA1 are known to be pathogenic (PMID: 20104584).

Literature cited by the submitters: PubMed 20104584.